The following is an entry in ClinVar:

NM_004999.4(MYO6):c.*1528C>T

Gene: MYO6 (myosin VI; plus strand). Cytogenetic location: 6q14.1.
Variant type: single nucleotide variant.
Coding change: c.*1528C>T on transcript NM_004999.4 (MANE Select); 1528 bases downstream of the stop codon, C replaced by T.
Molecular consequence: 3 prime UTR variant. On other transcripts: non-coding transcript variant (1).
Genome position (GRCh38, 1-based): chr6:75,916,540, C>T. VCF-style: chr6-75916540-C-T. GRCh37 (hg19) VCF-style: chr6-76626257-C-T.
Other names: c.*1528C>T (NM_001300899.2, NM_001368136.1, NM_001368137.1 and 3 more transcripts).
Identifiers: ClinVar variation 358017 (VCV000358017.5), dbSNP rs188719640, ClinGen allele CA10627617.

ClinVar aggregate classification (germline): Conflicting classifications of pathogenicity. Review status: criteria provided, conflicting classifications (1 of 4 stars). 2 submissions from 1 submitter: Uncertain significance (1); Likely benign (1). Last evaluated 2018-01-12.

Conditions:
Autosomal recessive nonsyndromic hearing loss 37. Identifiers: Orphanet 90636, MedGen C1843028, MONDO:0011912, OMIM 607821.
Autosomal dominant nonsyndromic hearing loss 22. Also called: Autosomal dominant nonsyndromic deafness 22; DFNA 22. Identifiers: Orphanet 228012, MedGen C2931767, MONDO:0011660, OMIM 606346.

Allele frequency attached by ClinVar (database versions not stated): 1000 Genomes Project 30x 0.00078; TOPMed 0.00078; 1000 Genomes Project 0.00080.

Submissions (2):

Illumina Laboratory Services, Illumina
Classification: Uncertain significance for Autosomal recessive nonsyndromic hearing loss 37. Last evaluated: 2018-01-12. Review status: criteria provided, single submitter. Criteria: ICSL Variant Classification Criteria 13 December 2019. Collection method: clinical testing. Allele origin: germline.

Illumina Laboratory Services, Illumina
Classification: Likely benign for Autosomal dominant nonsyndromic hearing loss 22. Last evaluated: 2018-01-12. Review status: criteria provided, single submitter. Criteria: ICSL Variant Classification Criteria 13 December 2019. Collection method: clinical testing. Allele origin: germline.
Comment: This variant was observed in the ICSL laboratory as part of a predisposition screen in an ostensibly healthy population. It had not been previously curated by ICSL or reported in the Human Gene Mutation Database (HGMD: prior to June 1st, 2018), and was therefore a candidate for classification through an automated scoring system. Utilizing variant allele frequency, disease prevalence and penetrance estimates, and inheritance mode, an automated score was calculated to assess if this variant is too frequent to cause the disease. Based on the score and internal cut-off values, a variant classified as likely benign is not then subjected to further curation. The score for this variant resulted in a classification of likely benign for this disease.